The following is an entry in ClinVar:

ClinVar aggregate classification (germline): Uncertain significance (1 of 4 stars; one submission).

Submission:

GeneDx
Classification: Uncertain significance. Last evaluated: 2026-02-21. Review status: criteria provided, single submitter. Criteria: GeneDx Variant Classification Process June 2021. Collection method: clinical testing. Allele origin: germline.
Comment: Not observed at significant frequency in large population cohorts (gnomAD); In silico analysis suggests that this missense variant does not alter protein structure/function; Has not been previously published as pathogenic or benign to our knowledge

NM_014159.7(SETD2):c.3336G>T (p.Leu1112Phe)

Gene: SETD2 (SET domain containing 2, histone lysine methyltransferase; minus strand). Cytogenetic location: 3p21.31.
Variant type: single nucleotide variant.
Coding change: c.3336G>T on transcript NM_014159.7 (MANE Select); coding-DNA position 3336, G replaced by T.
Protein change: p.Leu1112Phe; replaces leucine 1112 with phenylalanine.
Molecular consequence: missense variant. On other transcripts: non-coding transcript variant (1).
Genome position (GRCh38, 1-based): chr3:47,121,300, C>A on the plus strand (G>T on the coding strand, the complement: SETD2 is on the minus strand). VCF-style: chr3-47121300-C-A. GRCh37 (hg19) VCF-style: chr3-47162790-C-A.
Other names: c.3204G>T, p.Leu1068Phe (NM_001349370.3); short protein forms L1068F, L1112F.
Identifiers: ClinVar variation 5009992 (VCV005009992.1).
Genomic context (GRCh38, chr3:47,121,300, plus strand): 5'-GAAAAACTTATCAGTTTGAGGACAGGCTTTACTTGCTATACTTTCAAATTTTTCCTCATA[C>A]AAATGTCTCCTTGACTCCAATCTCTCATCTTCCCAATGGTCAGAATAGTGTCTATAACTT-3'
Protein context (NP_054878.5, residues 1102-1122): EDERLESRRH[Leu1112Phe]YEEKFESIAS